The following is an entry in ClinVar:

NM_001401501.2(MUC16):c.45254T>C (p.Leu15085Pro)

Gene: MUC16 (mucin 16, cell surface associated; minus strand). Cytogenetic location: 19p13.2.
Variant type: single nucleotide variant.
Coding change: c.45254T>C on transcript NM_001401501.2 (MANE Select); coding-DNA position 45254, T replaced by C.
Protein change: p.Leu15085Pro; replaces leucine 15085 with proline.
Molecular consequence: missense variant.
Genome position (GRCh38, 1-based): chr19:8,862,912, A>G on the plus strand (T>C on the coding strand, the complement: MUC16 is on the minus strand). VCF-style: chr19-8862912-A-G. GRCh37 (hg19) VCF-style: chr19-8973588-A-G.
Other names: c.45680T>C, p.Leu15227Pro (NM_001414686.1); c.45134T>C, p.Leu15045Pro (NM_001414687.1); c.42728T>C, p.Leu14243Pro (NM_024690.2); short protein forms L14243P, L15045P, L15085P, L15227P.
Identifiers: ClinVar variation 3039750 (VCV003039750.2), dbSNP rs374745546, ClinGen allele CA9162282.

ClinVar aggregate classification (germline): Benign (0 of 4 stars; one submission).

Conditions:
MUC16-related disorder. Also called: MUC16-related condition.

Allele frequency attached by ClinVar (database versions not stated): TOPMed 0.00007; gnomAD 0.00046; gnomAD exomes 0.00072; ExAC 0.00242; 1000 Genomes Project 30x 0.00344; 1000 Genomes Project 0.00379.

Submission:

PreventionGenetics, part of Exact Sciences
Classification: Benign for MUC16-related condition. Last evaluated: 2019-04-08. Review status: no assertion criteria provided. Collection method: clinical testing. Allele origin: germline.
Comment: This variant is classified as benign based on ACMG/AMP sequence variant interpretation guidelines (Richards et al. 2015 PMID: 25741868, with internal and published modifications).